The following is an entry in ClinVar:

ClinVar aggregate classification (germline): Uncertain significance (1 of 4 stars; one submission).

Allele frequency attached by ClinVar (database versions not stated): ESP Exome Variant Server 0.00008.
gnomAD v4.1: 32 of 1,613,874 alleles (0.002%); highest among the groups gnomAD compares: African/African-American, 0.0027%; no homozygotes.

Submission:

Labcorp Genetics (formerly Invitae), Labcorp
Classification: Uncertain significance. Last evaluated: 2021-02-12. Review status: criteria provided, single submitter. Criteria: Invitae Variant Classification Sherloc (09022015). Collection method: clinical testing. Allele origin: germline.
Comment: This sequence change replaces arginine with serine at codon 363 of the HSPG2 protein (p.Arg363Ser). The arginine residue is weakly conserved and there is a moderate physicochemical difference between arginine and serine. This variant is not present in population databases (ExAC no frequency). This variant has not been reported in the literature in individuals with HSPG2-related conditions. Algorithms developed to predict the effect of missense changes on protein structure and function (SIFT, PolyPhen-2, Align-GVGD) all suggest that this variant is likely to be tolerated, but these predictions have not been confirmed by published functional studies and their clinical significance is uncertain. In summary, the available evidence is currently insufficient to determine the role of this variant in disease. Therefore, it has been classified as a Variant of Uncertain Significance.

NM_005529.7(HSPG2):c.1087C>A (p.Arg363Ser)

Gene: HSPG2 (heparan sulfate proteoglycan 2; minus strand). Cytogenetic location: 1p36.12.
Variant type: single nucleotide variant.
Coding change: c.1087C>A on transcript NM_005529.7 (MANE Select); coding-DNA position 1087, C replaced by A.
Protein change: p.Arg363Ser; replaces arginine 363 with serine.
Molecular consequence: missense variant.
Genome position (GRCh38, 1-based): chr1:21,885,443, G>T on the plus strand (C>A on the coding strand, the complement: HSPG2 is on the minus strand). VCF-style: chr1-21885443-G-T. GRCh37 (hg19) VCF-style: chr1-22211936-G-T.
Other names: c.1087C>A, p.Arg363Ser (NM_001291860.2); short protein forms R363S.
Identifiers: ClinVar variation 1522955 (VCV001522955.8), dbSNP rs373137902, ClinGen allele CA19159538.
Genomic context (GRCh38, chr1:21,885,443, plus strand): 5'-GGATGCACATGTTGGTAGAGACGCATCGGAACTGTGTGGGCCCGCACACTTCCTCAGGAC[G>T]CTTGGTGGCTGGGGACAAAGCCAGGTGGTTCCCAATAGCCCACCCCGTCCATCCTCCCTG-3'
Protein context (NP_005520.4, residues 353-373): RTDEANCPTK[Arg363Ser]PEEVCGPTQF